The following is an entry in ClinVar:

ClinVar aggregate classification (germline): Uncertain significance. Review status: criteria provided, multiple submitters, no conflicts (2 of 4 stars). 2 submissions from 2 submitters: Uncertain significance (2). Last evaluated 2024-11-06.

Conditions:
Immunodeficiency 35 (IMD35). Also called: HIES WITH ATYPICAL MYCOBACTERIOSIS, AUTOSOMAL RECESSIVE; HYPER-IgE SYNDROME WITH ATYPICAL MYCOBACTERIOSIS, AUTOSOMAL RECESSIVE; TYK2 DEFICIENCY; Susceptibility to infection due to TYK2 deficiency. Identifiers: Orphanet 331226, MedGen C1969086, MONDO:0012682, OMIM 611521.

Allele frequency attached by ClinVar (database versions not stated): gnomAD 0.00004 and 0.00006; TOPMed 0.00004; gnomAD exomes 0.00006 and 0.00010; ExAC 0.00013; 1000 Genomes Project 30x 0.00031; 1000 Genomes Project 0.00040.
gnomAD v4.1: 97 of 1,607,206 alleles (0.006%); highest among the groups gnomAD compares: Admixed American, 0.0084%; no homozygotes.

Submissions (2):

Blueprint Genetics
Classification: Uncertain significance. Last evaluated: 2024-11-06. Review status: criteria provided, single submitter. Criteria: ACMG Guidelines, 2015. Collection method: clinical testing. Allele origin: germline.

Labcorp Genetics (formerly Invitae), Labcorp
Classification: Uncertain significance for Immunodeficiency 35. Last evaluated: 2022-03-10. Review status: criteria provided, single submitter. Criteria: Invitae Variant Classification Sherloc (09022015). Collection method: clinical testing. Allele origin: germline.
Comment: In summary, the available evidence is currently insufficient to determine the role of this variant in disease. Therefore, it has been classified as a Variant of Uncertain Significance. Algorithms developed to predict the effect of missense changes on protein structure and function output the following: SIFT: "Not Available"; PolyPhen-2: "Benign"; Align-GVGD: "Not Available". The glutamine amino acid residue is found in multiple mammalian species, which suggests that this missense change does not adversely affect protein function. ClinVar contains an entry for this variant (Variation ID: 636872). This variant has not been reported in the literature in individuals affected with TYK2-related conditions. This variant is present in population databases (rs200643906, gnomAD 0.05%). This sequence change replaces arginine, which is basic and polar, with glutamine, which is neutral and polar, at codon 501 of the TYK2 protein (p.Arg501Gln).

NM_003331.5(TYK2):c.1502G>A (p.Arg501Gln)

Gene: TYK2 (tyrosine kinase 2; minus strand). Cytogenetic location: 19p13.2.
Variant type: single nucleotide variant.
Coding change: c.1502G>A on transcript NM_003331.5 (MANE Select); coding-DNA position 1502, G replaced by A.
Protein change: p.Arg501Gln; replaces arginine 501 with glutamine.
Molecular consequence: missense variant.
Genome position (GRCh38, 1-based): chr19:10,362,431, C>T on the plus strand (G>A on the coding strand, the complement: TYK2 is on the minus strand). VCF-style: chr19-10362431-C-T. GRCh37 (hg19) VCF-style: chr19-10473107-C-T.
Other names: c.1502G>A (LRG_121t1); short protein forms R501Q.
Identifiers: ClinVar variation 636872 (VCV000636872.12), dbSNP rs200643906, ClinGen allele CA9193396.